The following is an entry in ClinVar:

NM_001379200.1(TBX1):c.323C>A (p.Ala108Glu)

Gene: TBX1 (T-box transcription factor 1; plus strand). Cytogenetic location: 22q11.21.
Variant type: single nucleotide variant.
Coding change: c.323C>A on transcript NM_001379200.1 (MANE Select); coding-DNA position 323, C replaced by A.
Protein change: p.Ala108Glu; replaces alanine 108 with glutamic acid.
Molecular consequence: missense variant.
Genome position (GRCh38, 1-based): chr22:19,761,166, C>A. VCF-style: chr22-19761166-C-A. GRCh37 (hg19) VCF-style: chr22-19748689-C-A.
Other names: c.296C>A, p.Ala99Glu (NM_005992.1, NM_080646.2, NM_080647.1); short protein forms A99E, A108E.
Identifiers: ClinVar variation 1798258 (VCV001798258.6), dbSNP rs143602782, ClinGen allele CA10102394.

ClinVar aggregate classification (germline): Uncertain significance. Review status: criteria provided, multiple submitters, no conflicts (2 of 4 stars). 2 submissions from 2 submitters: Uncertain significance (2). Last evaluated 2025-02-15.

Conditions:
Cardiovascular phenotype. Identifiers: MedGen CN230736.
DiGeorge syndrome. Also called: Catch22; THIRD AND FOURTH PHARYNGEAL POUCH SYNDROME. Identifiers: Orphanet 567, MedGen C0012236, MONDO:0008564, OMIM 188400.

Allele frequency attached by ClinVar (database versions not stated): ExAC 0.00001; gnomAD exomes 0.00001; ESP Exome Variant Server 0.00008.
gnomAD v4.1: 4 of 1,520,956 alleles (0.00026%); highest among the groups gnomAD compares: Non-Finnish European, 0.00035%; no homozygotes.

Submissions (2):

Labcorp Genetics (formerly Invitae), Labcorp
Classification: Uncertain significance for DiGeorge syndrome. Last evaluated: 2025-02-15. Review status: criteria provided, single submitter. Criteria: Invitae Variant Classification Sherloc (09022015). Collection method: clinical testing. Allele origin: germline.
Comment: This sequence change replaces alanine, which is neutral and non-polar, with glutamic acid, which is acidic and polar, at codon 99 of the TBX1 protein (p.Ala99Glu). The frequency data for this variant in the population databases is considered unreliable, as metrics indicate poor data quality at this position in the gnomAD database. This variant has not been reported in the literature in individuals affected with TBX1-related conditions. ClinVar contains an entry for this variant (Variation ID: 1798258). Invitae Evidence Modeling of protein sequence and biophysical properties (such as structural, functional, and spatial information, amino acid conservation, physicochemical variation, residue mobility, and thermodynamic stability) indicates that this missense variant is not expected to disrupt TBX1 protein function with a negative predictive value of 80%. In summary, the available evidence is currently insufficient to determine the role of this variant in disease. Therefore, it has been classified as a Variant of Uncertain Significance.

Ambry Genetics
Classification: Uncertain significance for Cardiovascular phenotype. Last evaluated: 2024-12-28. Review status: criteria provided, single submitter. Criteria: Ambry Variant Classification Scheme 2023. Collection method: clinical testing. Allele origin: germline.